The following is an entry in ClinVar:

ClinVar aggregate classification (germline): Conflicting classifications of pathogenicity. Review status: criteria provided, conflicting classifications (1 of 4 stars). 3 submissions from 3 submitters: Uncertain significance (2); Benign (1). Last evaluated 2026-08-18.

Conditions:
SACS-related disorder. Also called: SACS-related condition.
Spastic paraplegia. Identifiers: MedGen C0037772, HP:0001258.
Charlevoix-Saguenay spastic ataxia (SACS). Also called: SPASTIC ATAXIA 6, AUTOSOMAL RECESSIVE; AUTOSOMAL RECESSIVE SPASTIC ATAXIA OF CHARLEVOIX-SAGUENAY; Spastic ataxia of Charlevoix-Saguenay. Identifiers: Orphanet 98, MedGen C1849140, MONDO:0010041, OMIM 270550.

Allele frequency attached by ClinVar (database versions not stated): ExAC 0.00003; gnomAD 0.00003; gnomAD exomes 0.00004; TOPMed 0.00006.
gnomAD v4.1: 59 of 1,613,558 alleles (0.0037%); highest among the groups gnomAD compares: South Asian, 0.021%; 1 homozygote.

Submissions (3):

PreventionGenetics, part of Exact Sciences
Classification: Uncertain significance for SACS-related condition. Last evaluated: 2026-08-18. Review status: criteria provided, single submitter. Criteria: ACMG Guidelines, 2015. Collection method: clinical testing. Allele origin: germline.
Comment: The SACS c.7148G>A variant is predicted to result in the amino acid substitution p.Arg2383His. To our knowledge, this variant has not been reported in the literature. This variant is reported in 0.020% of alleles in individuals of South Asian descent in gnomAD. At this time, the clinical significance of this variant is uncertain due to the absence of conclusive functional and genetic evidence.

Labcorp Genetics (formerly Invitae), Labcorp
Classification: Benign for Spastic paraplegia. Last evaluated: 2025-11-19. Review status: criteria provided, single submitter. Criteria: Invitae Variant Classification Sherloc (09022015). Collection method: clinical testing. Allele origin: germline.

Fulgent Genetics
Classification: Uncertain significance for Charlevoix-Saguenay spastic ataxia. Last evaluated: 2024-02-22. Review status: criteria provided, single submitter. Criteria: ACMG Guidelines, 2015. Collection method: clinical testing. Allele origin: germline.

NM_014363.6(SACS):c.7148G>A (p.Arg2383His)

Gene: SACS (sacsin molecular chaperone; minus strand). Cytogenetic location: 13q12.12.
Variant type: single nucleotide variant.
Coding change: c.7148G>A on transcript NM_014363.6 (MANE Select); coding-DNA position 7148, G replaced by A.
Protein change: p.Arg2383His; replaces arginine 2383 with histidine.
Molecular consequence: missense variant.
Genome position (GRCh38, 1-based): chr13:23,336,728, C>T on the plus strand (G>A on the coding strand, the complement: SACS is on the minus strand). VCF-style: chr13-23336728-C-T. GRCh37 (hg19) VCF-style: chr13-23910867-C-T.
Other names: c.7148G>A (NM_014363.5); c.6707G>A, p.Arg2236His (NM_001278055.2); short protein forms R2236H, R2383H.
Identifiers: ClinVar variation 2076854 (VCV002076854.6), dbSNP rs751713432, ClinGen allele CA6910965.
Genomic context (GRCh38, chr13:23,336,728, plus strand): 5'-ACAAGAGCAAAATCTTCAACAGTGCATGACTGCCTCACACCCACGGTTTCAAAAAGTTCG[C>T]GGAAATTATTTTTATACTTATTAGGCAACTGATAAAGGTATGGTGCCGCCTCAAAATTTA-3'
Protein context (NP_055178.3, residues 2373-2393): QLPNKYKNNF[Arg2383His]ELFETVGVRQ